The following is an entry in ClinVar:

ClinVar aggregate classification (germline): Pathogenic/Likely pathogenic. Review status: criteria provided, multiple submitters, no conflicts (2 of 4 stars). 2 submissions from 2 submitters: Pathogenic (1); Likely pathogenic (1). Last evaluated 2024-07-18.

Conditions:
Leber congenital amaurosis 2 (LCA2). Also called: Autosomal Recessive RPE65-Related Retinal Degeneration; AMAUROSIS CONGENITA OF LEBER II. Identifiers: Orphanet 65, MedGen C1859844, MONDO:0008765, OMIM 204100. Disease mechanism: loss of function.
Retinitis pigmentosa 20 (RP20). Identifiers: Orphanet 791, MedGen C3151086, MONDO:0013425, OMIM 613794.
Leber congenital amaurosis (LCA). Also called: Leber's amaurosis. Identifiers: Orphanet 65, MedGen C0339527, MeSH D057130, MONDO:0018998.

gnomAD v4.1: 6 of 1,614,148 alleles (0.00037%); highest among the groups gnomAD compares: Non-Finnish European, 0.00051%; no homozygotes.

Submissions (2):

Natera, Inc.
Classification: Likely pathogenic for Leber congenital amaurosis. Last evaluated: 2024-07-18. Review status: criteria provided, single submitter. Criteria: Natera Variant Classification Schema (03/2026). Collection method: clinical testing. Allele origin: germline.
Comment: The c.421G>T variant in RPE65 is a nonsense variant predicted to introduce a stop codon at amino acid 141. This variant is expected to result in nonsense mediated decay, truncation, or a dysfunctional protein product. This variant is rare in the general population with a frequency below the threshold expected for the associated phenotype(s). Given the available evidence, this variant is classified as Likely Pathogenic.

Labcorp Genetics (formerly Invitae), Labcorp
Classification: Pathogenic for Leber congenital amaurosis 2; Retinitis pigmentosa 20. Last evaluated: 2020-08-14. Review status: criteria provided, single submitter. Criteria: Invitae Variant Classification Sherloc (09022015). Collection method: clinical testing. Allele origin: germline.
Comment: This sequence change creates a premature translational stop signal (p.Glu141*) in the RPE65 gene. It is expected to result in an absent or disrupted protein product. This variant is not present in population databases (ExAC no frequency). This variant has not been reported in the literature in individuals with RPE65-related conditions. ClinVar contains an entry for this variant (Variation ID: 970047). Algorithms developed to predict the effect of sequence changes on RNA splicing suggest that this variant may create or strengthen a splice site, but this prediction has not been confirmed by published transcriptional studies. Loss-of-function variants in RPE65 are known to be pathogenic (PMID: 9326941, 9501220, 18632300). For these reasons, this variant has been classified as Pathogenic.

Literature cited by the submitters: PubMed 9326941 (cited by Labcorp Genetics (formerly Invitae), Labcorp); PubMed 9501220 (cited by Labcorp Genetics (formerly Invitae), Labcorp); PubMed 18632300 (cited by Labcorp Genetics (formerly Invitae), Labcorp).

NM_000329.3(RPE65):c.421G>T (p.Glu141Ter)

Gene: RPE65 (retinoid isomerohydrolase RPE65; minus strand). Cytogenetic location: 1p31.3.
Variant type: single nucleotide variant.
Coding change: c.421G>T on transcript NM_000329.3 (MANE Select); coding-DNA position 421, G replaced by T.
Protein change: p.Glu141Ter; replaces glutamic acid 141 with a stop codon.
Molecular consequence: nonsense.
Genome position (GRCh38, 1-based): chr1:68,444,605, C>A on the plus strand (G>T on the coding strand, the complement: RPE65 is on the minus strand). VCF-style: chr1-68444605-C-A. GRCh37 (hg19) VCF-style: chr1-68910288-C-A.
Other names: short protein forms E141*.
Identifiers: ClinVar variation 970047 (VCV000970047.8), dbSNP rs1469460289, ClinGen allele CA340747854.